The following is an entry in ClinVar:

ClinVar aggregate classification (germline): Uncertain significance (1 of 4 stars; one submission).

gnomAD v4.1: 1 of 1,614,152 alleles (0.000062%); highest among the groups gnomAD compares: Non-Finnish European, 0.000085%; no homozygotes.

Submission:

Ambry Genetics
Classification: Uncertain significance. Last evaluated: 2026-03-15. Review status: criteria provided, single submitter. Criteria: Ambry Variant Classification Scheme 2023. Collection method: clinical testing. Allele origin: germline.
Comment: The p.R107L variant (also known as c.320G>T), located in coding exon 1 of the CDK12 gene, results from a G to T substitution at nucleotide position 320. The arginine at codon 107 is replaced by leucine, an amino acid with dissimilar properties. This amino acid position is conserved. In addition, this alteration is predicted to be tolerated by in silico analysis. Based on the available evidence, the clinical significance of this variant remains unclear.

NM_016507.4(CDK12):c.320G>T (p.Arg107Leu)

Genes: CDK12 (cyclin dependent kinase 12; plus strand), LOC126862553 (CDK7 strongly-dependent group 2 enhancer GRCh37_chr17:37618166-37619365; plus strand). Cytogenetic location: 17q12.
Variant type: single nucleotide variant.
Coding change: c.320G>T on transcript NM_016507.4 (MANE Select); coding-DNA position 320, G replaced by T.
Protein change: p.Arg107Leu; replaces arginine 107 with leucine.
Molecular consequence: missense variant.
Genome position (GRCh38, 1-based): chr17:39,462,391, G>T. VCF-style: chr17-39462391-G-T. GRCh37 (hg19) VCF-style: chr17-37618644-G-T.
Other names: c.320G>T, p.Arg107Leu (NM_015083.4); short protein forms R107L.
Identifiers: ClinVar variation 4868444 (VCV004868444.1).